The following is an entry in ClinVar:

ClinVar aggregate classification (germline): Likely benign. Review status: criteria provided, multiple submitters, no conflicts (2 of 4 stars). 2 submissions from 2 submitters: Likely benign (2). Last evaluated 2025-10-13.

Allele frequency attached by ClinVar (database versions not stated): gnomAD 0.00007; ESP Exome Variant Server 0.00008; TOPMed 0.00008; gnomAD exomes 0.00011; ExAC 0.00012.
gnomAD v4.1: 173 of 1,613,852 alleles (0.011%); highest among the groups gnomAD compares: Non-Finnish European, 0.012%; no homozygotes.

Submissions (2):

Labcorp Genetics (formerly Invitae), Labcorp
Classification: Likely benign. Last evaluated: 2025-10-13. Review status: criteria provided, single submitter. Criteria: Invitae Variant Classification Sherloc (09022015). Collection method: clinical testing. Allele origin: germline.

CeGaT Center for Human Genetics Tuebingen
Classification: Likely benign. Last evaluated: 2024-08-01. Review status: criteria provided, single submitter. Criteria: CeGaT Center For Human Genetics Tuebingen Variant Classification Criteria Version 2. Collection method: clinical testing. Allele origin: germline. Affected: yes. Observed: 1 variant allele.
Comment: SRCAP: BP4, BP7

NM_006662.3(SRCAP):c.312C>T (p.Ala104=)

Gene: SRCAP (Snf2 related CREBBP activator protein; plus strand). Cytogenetic location: 16p11.2.
Variant type: single nucleotide variant.
Coding change: c.312C>T on transcript NM_006662.3 (MANE Select); coding-DNA position 312, C replaced by T.
Protein change: p.Ala104=; no amino-acid change (alanine 104 retained).
Molecular consequence: synonymous variant.
Genome position (GRCh38, 1-based): chr16:30,707,188, C>T. VCF-style: chr16-30707188-C-T. GRCh37 (hg19) VCF-style: chr16-30718509-C-T.
Identifiers: ClinVar variation 2176704 (VCV002176704.20), dbSNP rs200473396, ClinGen allele CA8010655.